The following is an entry in ClinVar:

NM_032043.3(BRIP1):c.1122T>A (p.Asp374Glu)

Gene: BRIP1 (BRCA1 interacting DNA helicase 1; minus strand). Cytogenetic location: 17q23.2.
Variant type: single nucleotide variant.
Coding change: c.1122T>A on transcript NM_032043.3 (MANE Select); coding-DNA position 1122, T replaced by A.
Protein change: p.Asp374Glu; replaces aspartic acid 374 with glutamic acid.
Molecular consequence: missense variant.
Genome position (GRCh38, 1-based): chr17:61,801,271, A>T on the plus strand (T>A on the coding strand, the complement: BRIP1 is on the minus strand). VCF-style: chr17-61801271-A-T. GRCh37 (hg19) VCF-style: chr17-59878632-A-T.
Other names: short protein forms D374E.
Identifiers: ClinVar variation 2945928 (VCV002945928.3), dbSNP rs2145332135, ClinGen allele CA400483887.

ClinVar aggregate classification (germline): Uncertain significance (1 of 4 stars; one submission).

Conditions:
Fanconi anemia complementation group J. Also called: BRIP1-Related Fanconi Anemia. Identifiers: Orphanet 84, MedGen C1836860, MONDO:0012187, OMIM 609054.
Familial cancer of breast. Also called: BREAST CANCER, FAMILIAL; Hereditary breast cancer; hereditary breast carcinoma. Identifiers: Orphanet 227535, MedGen C0346153, MONDO:0016419, OMIM 114480. Disease mechanism: loss of function.

Submission:

Labcorp Genetics (formerly Invitae), Labcorp
Classification: Uncertain significance for Familial cancer of breast; Fanconi anemia complementation group J. Last evaluated: 2023-03-29. Review status: criteria provided, single submitter. Criteria: Invitae Variant Classification Sherloc (09022015). Collection method: clinical testing. Allele origin: germline.
Comment: In summary, the available evidence is currently insufficient to determine the role of this variant in disease. Therefore, it has been classified as a Variant of Uncertain Significance. Advanced modeling of protein sequence and biophysical properties (such as structural, functional, and spatial information, amino acid conservation, physicochemical variation, residue mobility, and thermodynamic stability) performed at Invitae indicates that this missense variant is not expected to disrupt BRIP1 protein function. This variant has not been reported in the literature in individuals affected with BRIP1-related conditions. This variant is not present in population databases (gnomAD no frequency). This sequence change replaces aspartic acid, which is acidic and polar, with glutamic acid, which is acidic and polar, at codon 374 of the BRIP1 protein (p.Asp374Glu).